The following is an entry in ClinVar:

NM_031307.4(PUS3):c.476G>T (p.Arg159Leu)

Genes: HYLS1 (HYLS1 centriolar and ciliogenesis associated; plus strand), PUS3 (pseudouridine synthase 3; minus strand). Cytogenetic location: 11q24.2.
Variant type: single nucleotide variant.
Coding change: c.476G>T on transcript NM_031307.4 (MANE Select); coding-DNA position 476, G replaced by T.
Protein change: p.Arg159Leu; replaces arginine 159 with leucine.
Molecular consequence: missense variant. On other transcripts: 5 prime UTR variant (1), intron variant (5).
Genome position (GRCh38, 1-based): chr11:125,895,692, C>A on the plus strand (G>T on the coding strand, the complement: PUS3 is on the minus strand). VCF-style: chr11-125895692-C-A. GRCh37 (hg19) VCF-style: chr11-125765587-C-A.
Other names: c.-149G>T (NM_001271985.2); c.-80-3412C>A (NM_145014.3); c.-25-3652C>A (NM_001134793.2, NM_001377269.1); c.-22-3655C>A (NM_001424364.1, NM_001377270.1); short protein forms R159L.
Identifiers: ClinVar variation 2162602 (VCV002162602.4), dbSNP rs113575767, ClinGen allele CA383199590.
Genomic context (GRCh38, chr11:125,895,692, plus strand): 5'-GGGGCCCAGGCCAATATACGGATGTCTGGAGGGAGTACCCGATTGAGAATGTGGGTATAA[C>A]GGATCTCTTCAGCAGCAGCATTAGCCTCCTCTTTTACATTAAAGTCCTCGGAATCCCTGC-3'
Protein context (NP_112597.4, residues 149-169): EEANAAAEEI[Arg159Leu]YTHILNRVLP

ClinVar aggregate classification (germline): Uncertain significance (1 of 4 stars; one submission).

gnomAD v4.1: 3 of 1,614,106 alleles (0.00019%); highest among the groups gnomAD compares: Admixed American, 0.005%; no homozygotes.

Submission:

Labcorp Genetics (formerly Invitae), Labcorp
Classification: Uncertain significance. Last evaluated: 2022-08-21. Review status: criteria provided, single submitter. Criteria: Invitae Variant Classification Sherloc (09022015). Collection method: clinical testing. Allele origin: germline.
Comment: This sequence change replaces arginine, which is basic and polar, with leucine, which is neutral and non-polar, at codon 159 of the PUS3 protein (p.Arg159Leu). This variant is present in population databases (no rsID available, gnomAD 0.009%). This variant has not been reported in the literature in individuals affected with PUS3-related conditions. Algorithms developed to predict the effect of missense changes on protein structure and function (SIFT, PolyPhen-2, Align-GVGD) all suggest that this variant is likely to be tolerated. In summary, the available evidence is currently insufficient to determine the role of this variant in disease. Therefore, it has been classified as a Variant of Uncertain Significance.